The following is an entry in ClinVar:

ClinVar aggregate classification (germline): Likely benign. Review status: criteria provided, multiple submitters, no conflicts (2 of 4 stars). 2 submissions from 2 submitters: Likely benign (2). Last evaluated 2025-10-26.

Conditions:
Pheochromocytoma/paraganglioma syndrome 4. Also called: CAROTID BODY TUMORS AND MULTIPLE EXTRAADRENAL PHEOCHROMOCYTOMAS; PARAGANGLIOMA, FAMILIAL MALIGNANT; PARAGANGLIOMAS, HEREDITARY EXTRAADRENAL; PHEOCHROMOCYTOMA, FAMILIAL EXTRAADRENAL; Paragangliomas 4; SDHB-Related Hereditary Paraganglioma-Pheochromocytoma Syndrome (Paragangliomas 4). Identifiers: Orphanet 29072, MedGen C1861848, MONDO:0007273, OMIM 115310.
Pheochromocytoma. Also called: MAX-Related Hereditary Paraganglioma-Pheochromocytoma Syndrome. Identifiers: Orphanet 29072, MedGen C0031511, MONDO:0008233, OMIM 171300, HP:0002666.
Gastrointestinal stromal tumor. Also called: Gastrointestinal stroma tumor; Gastrointestinal stromal tumor, somatic. Identifiers: Orphanet 44890, MedGen C0238198, MeSH D046152, MONDO:0011719, OMIM 606764, HP:0100723.

Allele frequency attached by ClinVar (database versions not stated): gnomAD exomes below 0.00001.
gnomAD v4.1: 3 of 1,602,394 alleles (0.00019%); highest among the groups gnomAD compares: Non-Finnish European, 0.00017%; no homozygotes.

Submissions (2):

Labcorp Genetics (formerly Invitae), Labcorp
Classification: Likely benign for Gastrointestinal stromal tumor; Pheochromocytoma/paraganglioma syndrome 4; Pheochromocytoma. Last evaluated: 2025-10-26. Review status: criteria provided, single submitter. Criteria: Invitae Variant Classification Sherloc (09022015). Collection method: clinical testing. Allele origin: germline.

Myriad Genetics, Inc.
Classification: Likely benign for Pheochromocytoma/paraganglioma syndrome 4. Last evaluated: 2025-03-13. Review status: criteria provided, single submitter. Criteria: Myriad Autosomal Dominant, Autosomal Recessive and X-Linked Classification Criteria (2023). Collection method: clinical testing. Allele origin: unknown.
Comment: This variant is considered likely benign. This variant is intronic and is not expected to impact mRNA splicing.

NM_003000.3(SDHB):c.541-8C>T

Gene: SDHB (succinate dehydrogenase complex iron sulfur subunit B; minus strand). Cytogenetic location: 1p36.13.
Variant type: single nucleotide variant.
Coding change: c.541-8C>T on transcript NM_003000.3 (MANE Select); 8 bases into the intron before coding-DNA position 541, C replaced by T.
Molecular consequence: intron variant.
Genome position (GRCh38, 1-based): chr1:17,024,082, G>A on the plus strand (C>T on the coding strand, the complement: SDHB is on the minus strand). VCF-style: chr1-17024082-G-A. GRCh37 (hg19) VCF-style: chr1-17350577-G-A.
Identifiers: ClinVar variation 1993025 (VCV001993025.5), dbSNP rs1570946001, ClinGen allele CA2574235543.